The following is an entry in ClinVar:

ClinVar aggregate classification (germline): Uncertain significance (1 of 4 stars; one submission).

Submission:

Labcorp Genetics (formerly Invitae), Labcorp
Classification: Uncertain significance. Last evaluated: 2020-05-20. Review status: criteria provided, single submitter. Criteria: Invitae Variant Classification Sherloc (09022015). Collection method: clinical testing. Allele origin: germline.
Comment: In summary, the available evidence is currently insufficient to determine the role of this variant in disease. Therefore, it has been classified as a Variant of Uncertain Significance. Algorithms developed to predict the effect of missense changes on protein structure and function output the following: SIFT: "Tolerated"; PolyPhen-2: "Benign"; Align-GVGD: "Class C0". The leucine amino acid residue is found in multiple mammalian species, suggesting that this missense change does not adversely affect protein function. These predictions have not been confirmed by published functional studies and their clinical significance is uncertain. This variant has not been reported in the literature in individuals with SCN3A-related conditions. This variant is not present in population databases (ExAC no frequency). This sequence change replaces proline with leucine at codon 671 of the SCN3A protein (p.Pro671Leu). The proline residue is moderately conserved and there is a moderate physicochemical difference between proline and leucine.

NM_006922.4(SCN3A):c.2012C>T (p.Pro671Leu)

Gene: SCN3A (sodium voltage-gated channel alpha subunit 3; minus strand). Cytogenetic location: 2q24.3.
Variant type: single nucleotide variant.
Coding change: c.2012C>T on transcript NM_006922.4 (MANE Select); coding-DNA position 2012, C replaced by T.
Protein change: p.Pro671Leu; replaces proline 671 with leucine.
Molecular consequence: missense variant. On other transcripts: intron variant (2).
Genome position (GRCh38, 1-based): chr2:165,140,658, G>A on the plus strand (C>T on the coding strand, the complement: SCN3A is on the minus strand). VCF-style: chr2-165140658-G-A. GRCh37 (hg19) VCF-style: chr2-165997168-G-A.
Other names: c.1872+140C>T (NM_001081676.2, NM_001081677.2); short protein forms P671L.
Identifiers: ClinVar variation 1061633 (VCV001061633.9), dbSNP rs2105810780, ClinGen allele CA349046107.